The following is an entry in ClinVar:

ClinVar aggregate classification (germline): Pathogenic. Review status: criteria provided, multiple submitters, no conflicts (2 of 4 stars). 2 submissions from 2 submitters: Pathogenic (2). Last evaluated 2023-06-26.

Conditions:
Kleefstra syndrome 1 (KLEFS1). Identifiers: Orphanet 261494, MedGen C0795833, MONDO:0027407, OMIM 610253.

Submissions (2):

GeneDx
Classification: Pathogenic. Last evaluated: 2023-06-26. Review status: criteria provided, single submitter. Criteria: GeneDx Variant Classification Process June 2021. Collection method: clinical testing. Allele origin: germline. Affected: yes.
Comment: Observed in an individual from a cohort of individuals with Kleefstra syndrome (Levy et al., 2022); Nonsense variant predicted to result in protein truncation or nonsense mediated decay in a gene for which loss of function is a known mechanism of disease; Not observed at significant frequency in large population cohorts (gnomAD); This variant is associated with the following publications: (PMID: 35904121)

Equipe Genetique des Anomalies du Developpement, Université de Bourgogne
Classification: Pathogenic for Kleefstra syndrome 1. Last evaluated: 2018-10-23. Review status: criteria provided, single submitter. Criteria: ACMG Guidelines, 2015. Collection method: clinical testing. Allele origin: de novo. Affected: yes.

NM_024757.5(EHMT1):c.2566C>T (p.Gln856Ter)

Gene: EHMT1 (euchromatic histone lysine methyltransferase 1; plus strand). Cytogenetic location: 9q34.3.
Variant type: single nucleotide variant.
Coding change: c.2566C>T on transcript NM_024757.5 (MANE Select); coding-DNA position 2566, C replaced by T.
Protein change: p.Gln856Ter; replaces glutamine 856 with a stop codon.
Molecular consequence: nonsense.
Genome position (GRCh38, 1-based): chr9:137,798,873, C>T. VCF-style: chr9-137798873-C-T. GRCh37 (hg19) VCF-style: chr9-140693325-C-T.
Other names: c.2545C>T, p.Gln849Ter (NM_001354263.2); short protein forms Q849*, Q856*.
Identifiers: ClinVar variation 666593 (VCV000666593.2), dbSNP rs1588770875, ClinGen allele CA375788192.